The following is an entry in ClinVar:

NM_018668.5(VPS33B):c.1602G>A (p.Trp534Ter)

Gene: VPS33B (VPS33B late endosome and lysosome associated; minus strand). Cytogenetic location: 15q26.1.
Variant type: single nucleotide variant.
Coding change: c.1602G>A on transcript NM_018668.5 (MANE Select); coding-DNA position 1602, G replaced by A.
Protein change: p.Trp534Ter; replaces tryptophan 534 with a stop codon.
Molecular consequence: nonsense.
Genome position (GRCh38, 1-based): chr15:90,999,955, C>T on the plus strand (G>A on the coding strand, the complement: VPS33B is on the minus strand). VCF-style: chr15-90999955-C-T. GRCh37 (hg19) VCF-style: chr15-91543185-C-T.
Other names: c.1521G>A, p.Trp507Ter (NM_001289148.1); c.1329G>A, p.Trp443Ter (NM_001289149.1); short protein forms W443*, W507*, W534*.
Identifiers: ClinVar variation 1526210 (VCV001526210.1), dbSNP rs2151662496, ClinGen allele CA393884971.

ClinVar aggregate classification (germline): Likely pathogenic (1 of 4 stars; one submission).

Conditions:
Arthrogryposis, renal dysfunction, and cholestasis 1 (ARCS1). Identifiers: Orphanet 2697, MedGen C1859722, MONDO:0008822, OMIM 208085.

Submission:

3billion
Classification: Likely pathogenic for Arthrogryposis, renal dysfunction, and cholestasis 1. Last evaluated: 2022-03-22. Review status: criteria provided, single submitter. Criteria: ACMG Guidelines, 2015. Collection method: clinical testing. Allele origin: germline. Affected: yes. Observed: 1 heterozygote.
Comment: Stop-gained (nonsense): predicted to result in a loss or disruption of normal protein function through nonsense-mediated decay (NMD) or protein truncation. Multiple pathogenic variants are reported downstream of the variant.It is not observed in the gnomAD v2.1.1 dataset. Therefore, this variant is classified as likely pathogenic according to the recommendation of ACMG/AMP guideline.